The following is an entry in ClinVar:

NM_000371.4(TTR):c.229G>A (p.Gly77Arg)

Gene: TTR (transthyretin; plus strand). Cytogenetic location: 18q12.1.
Variant type: single nucleotide variant.
Coding change: c.229G>A on transcript NM_000371.4 (MANE Select); coding-DNA position 229, G replaced by A.
Protein change: p.Gly77Arg; replaces glycine 77 with arginine.
Molecular consequence: missense variant.
Genome position (GRCh38, 1-based): chr18:31,595,148, G>A. VCF-style: chr18-31595148-G-A. GRCh37 (hg19) VCF-style: chr18-29175111-G-A.
Other names: short protein forms G77R.
Identifiers: ClinVar variation 660445 (VCV000660445.10), dbSNP rs1598845111, ClinGen allele CA402156942.
Genomic context (GRCh38, chr18:31,595,148, plus strand): 5'-CGTAACTTAATCCAGACTTTCACACCTTATAGGAAAACCAGTGAGTCTGGAGAGCTGCAT[G>A]GGCTCACAACTGAGGAGGAATTTGTAGAAGGGATATACAAAGTGGAAATAGACACCAAAT-3'
Protein context (NP_000362.1, residues 67-87): GKTSESGELH[Gly77Arg]LTTEEEFVEG

ClinVar aggregate classification (germline): Pathogenic/Likely pathogenic. Review status: criteria provided, multiple submitters, no conflicts (2 of 4 stars). 2 submissions from 2 submitters: Pathogenic (1); Likely pathogenic (1). Last evaluated 2025-12-18.

Conditions:
Cardiovascular phenotype. Identifiers: MedGen CN230736.
Amyloidosis, hereditary systemic 1 (AMYLD1). Also called: Familial amyloid polyneuropathy; Transthyretin Amyloidosis; Hereditary oculoleptomeningeal amyloid angiopathy; Familial Transthyretin Amyloidosis; Isolated Cardiac Amyloidosis; Amyloid Cardiomyopathy, Transthyretin-related. Identifiers: Orphanet 85447, Orphanet 85451, MedGen C2751492, MONDO:0971004, OMIM 105210.

Submissions (2):

Ambry Genetics
Classification: Likely pathogenic for Cardiovascular phenotype. Last evaluated: 2025-12-18. Review status: criteria provided, single submitter. Criteria: Ambry Variant Classification Scheme 2023. Collection method: clinical testing. Allele origin: germline.
Comment: The p.G77R variant (also known as c.229G>A), located in coding exon 3 of the TTR gene, results from a G to A substitution at nucleotide position 229. The glycine at codon 77 is replaced by arginine, an amino acid with dissimilar properties. This variant was reported in individual(s) with features consistent with hereditary transthyretin-related amyloidosis (Suhr OB et al. Amyloid, 2009 Dec;16:208-14; Valentini V et al. Amyloid, 2011 Jun;18 Suppl 1:61-3). Note, this variant is also referred to as p.G57R in the literature. Based on internal structural analysis, this variant is anticipated to result in a significant decrease in structural stability (Ambry internal data). This variant is considered to be rare based on population cohorts in the Genome Aggregation Database (gnomAD). This amino acid position is not well conserved in available vertebrate species. In addition, this alteration is predicted to be deleterious by in silico analysis. Based on the majority of available evidence to date, this variant is likely to be pathogenic.

Labcorp Genetics (formerly Invitae), Labcorp
Classification: Pathogenic for Amyloidosis, hereditary systemic 1. Last evaluated: 2019-05-10. Review status: criteria provided, single submitter. Criteria: Invitae Variant Classification Sherloc (09022015). Collection method: clinical testing. Allele origin: germline.
Comment: For these reasons, this variant has been classified as Pathogenic. Algorithms developed to predict the effect of missense changes on protein structure and function are either unavailable or do not agree on the potential impact of this missense change (SIFT: "Tolerated"; PolyPhen-2: "Possibly Damaging"; Align-GVGD: "Class C0"). This variant has been observed in several individuals with hereditary transthyretin-mediated amyloidosis (hATTR amyloidosis) and observed to segregate with clinical features of hATTR amyloidosis in a family (PMID: 19922332, 23713495). This variant is not present in population databases (ExAC no frequency). This sequence change replaces glycine with arginine at codon 77 of the TTR protein (p.Gly77Arg). The glycine residue is moderately conserved and there is a moderate physicochemical difference between glycine and arginine.

Literature cited by the submitters: PubMed 19922332 (cited by Ambry Genetics and Labcorp Genetics (formerly Invitae), Labcorp); PubMed 21838434 (cited by Ambry Genetics); PubMed 23713495 (cited by Labcorp Genetics (formerly Invitae), Labcorp).